The following is an entry in ClinVar:

ClinVar aggregate classification (germline): Uncertain significance. Review status: criteria provided, multiple submitters, no conflicts (2 of 4 stars). 3 submissions from 3 submitters: Uncertain significance (3). Last evaluated 2025-05-02.

Conditions:
Cardiovascular phenotype. Identifiers: MedGen CN230736.
Long QT syndrome (LQTS). Identifiers: MedGen C0023976, MeSH D008133, MONDO:0002442. Disease mechanism: loss of function. Inheritance: Various modes of inheritance.
Cardiac arrhythmia, ankyrin-B-related. Also called: ANKYRIN-B SYNDROME. Identifiers: Orphanet 101016, Orphanet 768, MedGen C1970119, MONDO:0010958, OMIM 600919.

Allele frequency attached by ClinVar (database versions not stated): ExAC 0.00002; gnomAD 0.00002; gnomAD exomes 0.00002 and 0.00003.
gnomAD v4.1: 25 of 1,613,902 alleles (0.0015%); highest among the groups gnomAD compares: Admixed American, 0.0033%; no homozygotes.

Submissions (3):

Labcorp Genetics (formerly Invitae), Labcorp
Classification: Uncertain significance for Long QT syndrome. Last evaluated: 2025-05-02. Review status: criteria provided, single submitter. Criteria: Invitae Variant Classification Sherloc (09022015). Collection method: clinical testing. Allele origin: germline.
Comment: This sequence change replaces proline, which is neutral and non-polar, with leucine, which is neutral and non-polar, at codon 3742 of the ANK2 protein (p.Pro3742Leu). This variant is present in population databases (rs753748906, gnomAD 0.005%). This variant has not been reported in the literature in individuals affected with ANK2-related conditions. ClinVar contains an entry for this variant (Variation ID: 1061975). Invitae Evidence Modeling of protein sequence and biophysical properties (such as structural, functional, and spatial information, amino acid conservation, physicochemical variation, residue mobility, and thermodynamic stability) indicates that this missense variant is not expected to disrupt ANK2 protein function with a negative predictive value of 80%. In summary, the available evidence is currently insufficient to determine the role of this variant in disease. Therefore, it has been classified as a Variant of Uncertain Significance.

Ambry Genetics
Classification: Uncertain significance for Cardiovascular phenotype. Last evaluated: 2025-03-25. Review status: criteria provided, single submitter. Criteria: Ambry Variant Classification Scheme 2023. Collection method: clinical testing. Allele origin: germline.
Comment: The p.P3742L variant (also known as c.11225C>T), located in coding exon 42 of the ANK2 gene, results from a C to T substitution at nucleotide position 11225. The proline at codon 3742 is replaced by leucine, an amino acid with similar properties. This amino acid position is not well conserved in available vertebrate species. In addition, the in silico prediction for this alteration is inconclusive. Since supporting evidence is limited at this time, the clinical significance of this alteration remains unclear.

Fulgent Genetics
Classification: Uncertain significance for Cardiac arrhythmia, ankyrin-B-related. Last evaluated: 2021-10-07. Review status: criteria provided, single submitter. Criteria: ACMG Guidelines, 2015. Collection method: clinical testing. Allele origin: unknown.

NM_001148.6(ANK2):c.11225C>T (p.Pro3742Leu)

Gene: ANK2 (ankyrin 2; plus strand). Cytogenetic location: 4q26.
Variant type: single nucleotide variant.
Coding change: c.11225C>T on transcript NM_001148.6 (MANE Select); coding-DNA position 11225, C replaced by T.
Protein change: p.Pro3742Leu; replaces proline 3742 with leucine.
Molecular consequence: missense variant.
Genome position (GRCh38, 1-based): chr4:113,367,758, C>T. VCF-style: chr4-113367758-C-T. GRCh37 (hg19) VCF-style: chr4-114288914-C-T.
Other names: c.4943C>T, p.Pro1648Leu (NM_001127493.3); c.4982C>T, p.Pro1661Leu (NM_001354225.2); c.4871C>T, p.Pro1624Leu (NM_001354228.2, NM_001354258.2); c.4949C>T, p.Pro1650Leu (NM_001354230.2); c.5012C>T, p.Pro1671Leu (NM_001354231.2, NM_001354242.2); c.5006C>T, p.Pro1669Leu (NM_001354232.2); c.4967C>T, p.Pro1656Leu (NM_001354235.2, NM_001354246.2, NM_001354265.2); c.4868C>T, p.Pro1623Leu (NM_001354236.2); and 35 more; short protein forms P1496L, P1529L, P1557L, P1562L, P1570L, P1579L, P1582L, P1584L.
Identifiers: ClinVar variation 1061975 (VCV001061975.10), dbSNP rs753748906, ClinGen allele CA3052247.